The following is an entry in ClinVar:

NM_001100.4(ACTA1):c.153G>C (p.Gln51His)

Gene: ACTA1 (actin alpha 1, skeletal muscle; minus strand). Cytogenetic location: 1q42.13.
Variant type: single nucleotide variant.
Coding change: c.153G>C on transcript NM_001100.4 (MANE Select); coding-DNA position 153, G replaced by C.
Protein change: p.Gln51His; replaces glutamine 51 with histidine.
Molecular consequence: missense variant.
Genome position (GRCh38, 1-based): chr1:229,432,857, C>G on the plus strand (G>C on the coding strand, the complement: ACTA1 is on the minus strand). VCF-style: chr1-229432857-C-G. GRCh37 (hg19) VCF-style: chr1-229568604-C-G.
Other names: short protein forms Q51H.
Identifiers: ClinVar variation 1349618 (VCV001349618.6), dbSNP rs2102736429, ClinGen allele CA345150974.

ClinVar aggregate classification (germline): Uncertain significance (1 of 4 stars; one submission).

Conditions:
Actin accumulation myopathy (CMYO2A). Also called: CONGENITAL MYOPATHY 2A, TYPICAL, AUTOSOMAL DOMINANT; Nemaline myopathy type 3; Myopathy, actin, congenital, with excess of thin myofilaments; Myopathy, actin, congenital, with cores; Nemaline myopathy 3, with intranuclear rods. Identifiers: Orphanet 98904, MedGen C3711389, MONDO:0008070, OMIM 161800.

Submission:

Labcorp Genetics (formerly Invitae), Labcorp
Classification: Uncertain significance for Actin accumulation myopathy. Last evaluated: 2022-12-06. Review status: criteria provided, single submitter. Criteria: Invitae Variant Classification Sherloc (09022015). Collection method: clinical testing. Allele origin: germline.
Comment: In summary, the available evidence is currently insufficient to determine the role of this variant in disease. Therefore, it has been classified as a Variant of Uncertain Significance. Advanced modeling of protein sequence and biophysical properties (such as structural, functional, and spatial information, amino acid conservation, physicochemical variation, residue mobility, and thermodynamic stability) performed at Invitae indicates that this missense variant is not expected to disrupt ACTA1 protein function. ClinVar contains an entry for this variant (Variation ID: 1349618). This variant has not been reported in the literature in individuals affected with ACTA1-related conditions. This variant is not present in population databases (gnomAD no frequency). This sequence change replaces glutamine, which is neutral and polar, with histidine, which is basic and polar, at codon 51 of the ACTA1 protein (p.Gln51His).